The following is an entry in ClinVar:

ClinVar aggregate classification (germline): Uncertain significance (1 of 4 stars; one submission).

Allele frequency attached by ClinVar (database versions not stated): gnomAD exomes below 0.00001.
gnomAD v4.1: 1 of 1,613,764 alleles (0.000062%); highest among the groups gnomAD compares: Non-Finnish European, 0.000085%; no homozygotes.

Submission:

Labcorp Genetics (formerly Invitae), Labcorp
Classification: Uncertain significance. Last evaluated: 2022-11-15. Review status: criteria provided, single submitter. Criteria: Invitae Variant Classification Sherloc (09022015). Collection method: clinical testing. Allele origin: germline.
Comment: This variant has not been reported in the literature in individuals affected with TOP2B-related conditions. In summary, the available evidence is currently insufficient to determine the role of this variant in disease. Therefore, it has been classified as a Variant of Uncertain Significance. Algorithms developed to predict the effect of sequence changes on RNA splicing suggest that this variant may create or strengthen a splice site. Algorithms developed to predict the effect of missense changes on protein structure and function (SIFT, PolyPhen-2, Align-GVGD) all suggest that this variant is likely to be disruptive. This variant is not present in population databases (gnomAD no frequency). This sequence change replaces alanine, which is neutral and non-polar, with serine, which is neutral and polar, at codon 788 of the TOP2B protein (p.Ala788Ser).

NM_001330700.2(TOP2B):c.2377G>T (p.Ala793Ser)

Gene: TOP2B (DNA topoisomerase II beta; minus strand). Cytogenetic location: 3p24.2.
Variant type: single nucleotide variant.
Coding change: c.2377G>T on transcript NM_001330700.2 (MANE Select); coding-DNA position 2377, G replaced by T.
Protein change: p.Ala793Ser; replaces alanine 793 with serine.
Molecular consequence: missense variant.
Genome position (GRCh38, 1-based): chr3:25,624,415, C>A on the plus strand (G>T on the coding strand, the complement: TOP2B is on the minus strand). VCF-style: chr3-25624415-C-A. GRCh37 (hg19) VCF-style: chr3-25665906-C-A.
Other names: c.2362G>T, p.Ala788Ser (NM_001068.3); short protein forms A788S, A793S.
Identifiers: ClinVar variation 2812447 (VCV002812447.3), dbSNP rs2470337244, ClinGen allele CA351903159.